The following is an entry in ClinVar:

ClinVar aggregate classification (germline): Uncertain significance. Review status: criteria provided, multiple submitters, no conflicts (2 of 4 stars). 4 submissions from 4 submitters: Uncertain significance (4). Last evaluated 2024-05-06.

Conditions:
Hereditary nonpolyposis colorectal neoplasms. Identifiers: MedGen C0009405, MeSH D003123.
Hereditary cancer-predisposing syndrome. Also called: Hereditary neoplastic syndrome; Hereditary Cancer Syndrome; Neoplastic Syndromes, Hereditary; Tumor predisposition. Identifiers: Orphanet 140162, MedGen C0027672, MeSH D009386, MONDO:0015356.
Endometrial carcinoma. Also called: Endometrial carcinoma, somatic. Identifiers: MedGen C0476089, MONDO:0002447, OMIM 608089, HP:0012114.

Submissions (4):

Labcorp Genetics (formerly Invitae), Labcorp
Classification: Uncertain significance for Hereditary nonpolyposis colorectal neoplasms. Last evaluated: 2024-05-06. Review status: criteria provided, single submitter. Criteria: Invitae Variant Classification Sherloc (09022015). Collection method: clinical testing. Allele origin: germline.
Comment: This sequence change replaces arginine, which is basic and polar, with methionine, which is neutral and non-polar, at codon 140 of the MSH6 protein (p.Arg140Met). This variant is not present in population databases (gnomAD no frequency). This variant has not been reported in the literature in individuals affected with MSH6-related conditions. ClinVar contains an entry for this variant (Variation ID: 234916). Advanced modeling of protein sequence and biophysical properties (such as structural, functional, and spatial information, amino acid conservation, physicochemical variation, residue mobility, and thermodynamic stability) performed at Invitae indicates that this missense variant is not expected to disrupt MSH6 protein function with a negative predictive value of 95%. In summary, the available evidence is currently insufficient to determine the role of this variant in disease. Therefore, it has been classified as a Variant of Uncertain Significance.

Baylor Genetics
Classification: Uncertain significance for Endometrial carcinoma. Last evaluated: 2023-11-29. Review status: criteria provided, single submitter. Criteria: ACMG Guidelines, 2015. Collection method: clinical testing. Allele origin: unknown.

Ambry Genetics
Classification: Uncertain significance for Hereditary cancer-predisposing syndrome. Last evaluated: 2022-12-09. Review status: criteria provided, single submitter. Criteria: Ambry Variant Classification Scheme 2023. Collection method: clinical testing. Allele origin: germline.
Comment: The p.R140M variant (also known as c.419G>T), located in coding exon 2 of the MSH6 gene, results from a G to T substitution at nucleotide position 419. The arginine at codon 140 is replaced by methionine, an amino acid with similar properties. This amino acid position is highly conserved in available vertebrate species. In addition, this alteration is predicted to be deleterious by in silico analysis. Since supporting evidence is limited at this time, the clinical significance of this alteration remains unclear.

GeneDx
Classification: Uncertain significance. Last evaluated: 2016-03-18. Review status: criteria provided, single submitter. Criteria: GeneDx Variant Classification (06012015). Collection method: clinical testing. Allele origin: germline. Affected: yes.
Comment: This variant is denoted MSH6 c.419G>T at the cDNA level, p.Arg140Met (R140M) at the protein level, and results in the change of an Arginine to a Methionine (AGG>ATG). This variant has not, to our knowledge, been published in the literature as pathogenic or benign. MSH6 Arg140Met was not observed in approximately 6,500 individuals of European and African American ancestry in the NHLBI Exome Sequencing Project, suggesting it is not a common benign variant in these populations. Since Arginine and Methionine differ in polarity, charge, size or other properties, this is considered a non-conservative amino acid substitution. MSH6 Arg140Met occurs at a position that is conserved across species and is located in the PWWP domain (Terui 2013). In silico analyses predict that this variant is probably damaging to protein structure and function. Based on currently available evidence, it is unclear whether MSH6 Arg140Met is a pathogenic or benign variant. We consider it to be a variant of uncertain significance.

NM_000179.3(MSH6):c.419G>T (p.Arg140Met)

Gene: MSH6 (mutS homolog 6; plus strand). Cytogenetic location: 2p16.3.
Variant type: single nucleotide variant.
Coding change: c.419G>T on transcript NM_000179.3 (MANE Select); coding-DNA position 419, G replaced by T.
Protein change: p.Arg140Met; replaces arginine 140 with methionine.
Molecular consequence: missense variant. On other transcripts: 5 prime UTR variant (2), intron variant (1).
Genome position (GRCh38, 1-based): chr2:47,791,085, G>T. VCF-style: chr2-47791085-G-T. GRCh37 (hg19) VCF-style: chr2-48018224-G-T.
Other names: c.-318G>T (NM_001281493.2); c.-484G>T (NM_001281494.2); c.238-7526G>T (NM_001281492.2); short protein forms R140M.
Identifiers: ClinVar variation 234916 (VCV000234916.16), dbSNP rs876661293, ClinGen allele CA10577250.